The following is an entry in ClinVar:

NM_001164508.2(NEB):c.18783G>A (p.Gln6261=)

Gene: NEB (nebulin; minus strand). Cytogenetic location: 2q23.3.
Variant type: single nucleotide variant.
Coding change: c.18783G>A on transcript NM_001164508.2 (MANE Select); coding-DNA position 18783, G replaced by A.
Protein change: p.Gln6261=; no amino-acid change (glutamine 6261 retained).
Molecular consequence: synonymous variant.
Genome position (GRCh38, 1-based): chr2:151,562,719, C>T on the plus strand (G>A on the coding strand, the complement: NEB is on the minus strand). VCF-style: chr2-151562719-C-T. GRCh37 (hg19) VCF-style: chr2-152419233-C-T.
Other names: NM_001164508.2(NEB):c.18783G>A; p.Gln6261=; c.18783G>A, p.Gln6261= (NM_001164507.2, NM_001271208.2); c.13680G>A, p.Gln4560= (NM_004543.5).
Identifiers: ClinVar variation 199224 (VCV000199224.23), dbSNP rs148095660, ClinGen allele CA203801.

ClinVar aggregate classification (germline): Benign. Review status: reviewed by expert panel (3 of 4 stars). 7 submissions from 7 submitters: Benign (1). 6 of the submissions do not count toward it. Last evaluated 2024-08-07.

Conditions:
Nemaline myopathy. Also called: Myopathies, Nemaline. Identifiers: Orphanet 607, MedGen C0206157, MONDO:0018958.
Nemaline myopathy 2 (NEM2). Also called: Nemaline myopathy 2, autosomal recessive. Identifiers: MedGen C1850569, MONDO:0009725, OMIM 256030.

Allele frequency attached by ClinVar (database versions not stated): gnomAD 0.00081 and 0.00176; ESP Exome Variant Server 0.00090; TOPMed 0.00117; gnomAD exomes 0.00203 and 0.00400; ExAC 0.00622; 1000 Genomes Project 30x 0.00843; 1000 Genomes Project 0.00938.
gnomAD v4.1: 3,270 of 1,606,652 alleles (0.2%); highest among the groups gnomAD compares: South Asian, 2.7%; 62 homozygotes.

Submissions (7):

ClinGen Congenital Myopathies Variant Curation Expert Panel, ClinGen
Classification: Benign for Nemaline myopathy. Last evaluated: 2024-08-07. Review status: reviewed by expert panel. Criteria: ClinGen CongenMyopathy ACMG Specifications NEB V1.0.0. Collection method: curation. Allele origin: germline. Inheritance: Autosomal recessive inheritance.
Comment: The c.18783G>A is a synonymous (silent) variant (p.Gln6261=) that is not predicted by SpliceAI to impact splicing. However, it occurs at a nucleotide that is conserved as shown by the UCSC Genome Browser (BP4, BP7 not met). The highest population filtering allele frequency in gnomAD v4.1.0 is 0.02590 (2413/89448 alleles, 58 homozygotes) in the South Asian population, which is higher than the ClinGen Congenital Myopathies threshold (≥0.00559) for BA1, and therefore meets this criterion (BA1). In summary, this variant meets the criteria to be classified as benign for autosomal recessive nemaline myopathy based on the ACMG/AMP criteria applied, as specified by the ClinGen Congenital Myopathies VCEP: BA1. (Congenital Myopathies VCEP specifications version 1; 8/7/2024)

Labcorp Genetics (formerly Invitae), Labcorp
Classification: Benign for Nemaline myopathy 2. Last evaluated: 2026-02-04. Review status: criteria provided, single submitter. Criteria: Invitae Variant Classification Sherloc (09022015). Collection method: clinical testing. Allele origin: germline. Not counted in ClinVar's aggregate classification.

Illumina Laboratory Services, Illumina
Classification: Benign for Nemaline myopathy 2. Last evaluated: 2018-01-12. Review status: criteria provided, single submitter. Criteria: ICSL Variant Classification Criteria 13 December 2019. Collection method: clinical testing. Allele origin: germline. Not counted in ClinVar's aggregate classification.
Comment: This variant was observed in the ICSL laboratory as part of a predisposition screen in an ostensibly healthy population. It had not been previously curated by ICSL or reported in the Human Gene Mutation Database (HGMD: prior to June 1st, 2018), and was therefore a candidate for classification through an automated scoring system. Utilizing variant allele frequency, disease prevalence and penetrance estimates, and inheritance mode, an automated score was calculated to assess if this variant is too frequent to cause the disease. Based on the score and internal cut-off values, a variant classified as benign is not then subjected to further curation. The score for this variant resulted in a classification of benign for this disease.

GeneDx
Classification: Benign. Last evaluated: 2016-08-16. Review status: criteria provided, single submitter. Criteria: GeneDx Variant Classification (06012015). Collection method: clinical testing. Allele origin: germline. Affected: yes. Not counted in ClinVar's aggregate classification.
Comment: This variant is considered likely benign or benign based on one or more of the following criteria: it is a conservative change, it occurs at a poorly conserved position in the protein, it is predicted to be benign by multiple in silico algorithms, and/or has population frequency not consistent with disease.

Eurofins Ntd Llc (ga)
Classification: Benign. Last evaluated: 2015-04-15. Review status: criteria provided, single submitter. Criteria: EGL Classification Definitions 2015. Collection method: clinical testing. Allele origin: germline. Observed: 2 variant alleles, 2 heterozygotes. Not counted in ClinVar's aggregate classification.

PreventionGenetics, part of Exact Sciences
Classification: Benign. Review status: criteria provided, single submitter. Criteria: ACMG Guidelines, 2015. Collection method: clinical testing. Allele origin: germline. Not counted in ClinVar's aggregate classification.

Natera, Inc.
Classification: Benign for Nemaline myopathy type 2. Last evaluated: 2020-09-16. Review status: no assertion criteria provided. Collection method: clinical testing. Allele origin: germline. Not counted in ClinVar's aggregate classification.